The following is an entry in ClinVar:

ClinVar aggregate classification (germline): Benign. Review status: criteria provided, multiple submitters, no conflicts (2 of 4 stars). 2 submissions from 2 submitters: Benign (2). Last evaluated 2018-06-14.

Allele frequency attached by ClinVar (database versions not stated): TOPMed 0.10161; 1000 Genomes Project 0.10343; 1000 Genomes Project 30x 0.10759; gnomAD 0.11142 and 0.11184; gnomAD exomes 0.11379.
gnomAD v4.1: 141,592 of 1,249,902 alleles (11%); highest among the groups gnomAD compares: Non-Finnish European, 12%; 9,089 homozygotes.

Submissions (2):

GeneDx
Classification: Benign. Last evaluated: 2018-06-14. Review status: criteria provided, single submitter. Criteria: GeneDx Variant Classification (06012015). Collection method: clinical testing. Allele origin: germline. Affected: yes.
Comment: This variant is considered likely benign or benign based on one or more of the following criteria: it is a conservative change, it occurs at a poorly conserved position in the protein, it is predicted to be benign by multiple in silico algorithms, and/or has population frequency not consistent with disease.

Breakthrough Genomics
Classification: Benign. Review status: criteria provided, single submitter. Criteria: ACMG Guidelines, 2015. Collection method: not provided. Allele origin: germline. Inheritance: Autosomal recessive inheritance. Affected: yes.

NM_001377.3(DYNC2H1):c.9441-94A>G

Gene: DYNC2H1 (dynein cytoplasmic 2 heavy chain 1; plus strand). Cytogenetic location: 11q22.3.
Variant type: single nucleotide variant.
Coding change: c.9441-94A>G on transcript NM_001377.3 (MANE Select); 94 bases into the intron before coding-DNA position 9441, A replaced by G.
Molecular consequence: intron variant.
Genome position (GRCh38, 1-based): chr11:103,233,940, A>G. VCF-style: chr11-103233940-A-G. GRCh37 (hg19) VCF-style: chr11-103104669-A-G.
Other names: c.9441-94A>G (NM_001080463.2).
Identifiers: ClinVar variation 675078 (VCV000675078.2), dbSNP rs11823725, ClinGen allele CA227408437.